The following is an entry in ClinVar:

ClinVar aggregate classification (germline): Likely benign. Review status: criteria provided, multiple submitters, no conflicts (2 of 4 stars). 2 submissions from 2 submitters: Likely benign (2). Last evaluated 2025-12-06.

Conditions:
Charcot-Marie-Tooth disease type 2. Also called: Charcot-Marie-Tooth type 2. Identifiers: Orphanet 64746, MedGen C0270914, MONDO:0018993.

Allele frequency attached by ClinVar (database versions not stated): gnomAD exomes 0.00003 and 0.00005; ExAC 0.00004; TOPMed 0.00007; ESP Exome Variant Server 0.00008; gnomAD 0.00004.
gnomAD v4.1: 44 of 1,612,412 alleles (0.0027%); highest among the groups gnomAD compares: Middle Eastern, 0.016%; no homozygotes.

Submissions (2):

Labcorp Genetics (formerly Invitae), Labcorp
Classification: Likely benign for Charcot-Marie-Tooth disease type 2. Last evaluated: 2025-12-06. Review status: criteria provided, single submitter. Criteria: Invitae Variant Classification Sherloc (09022015). Collection method: clinical testing. Allele origin: germline.

GeneDx
Classification: Likely benign. Last evaluated: 2016-05-05. Review status: criteria provided, single submitter. Criteria: GeneDx Variant Classification (06012015). Collection method: clinical testing. Allele origin: germline. Affected: yes.
Comment: This variant is considered likely benign or benign based on one or more of the following criteria: it is a conservative change, it occurs at a poorly conserved position in the protein, it is predicted to be benign by multiple in silico algorithms, and/or has population frequency not consistent with disease.

NM_014874.4(MFN2):c.2069+15C>T

Gene: MFN2 (mitofusin 2; plus strand). Cytogenetic location: 1p36.22.
Variant type: single nucleotide variant.
Coding change: c.2069+15C>T on transcript NM_014874.4 (MANE Select); 15 bases into the intron after coding-DNA position 2069, C replaced by T.
Molecular consequence: intron variant.
Genome position (GRCh38, 1-based): chr1:12,007,264, C>T. VCF-style: chr1-12007264-C-T. GRCh37 (hg19) VCF-style: chr1-12067321-C-T.
Other names: c.2069+15C>T (NM_001127660.2).
Identifiers: ClinVar variation 386014 (VCV000386014.8), dbSNP rs375924621, ClinGen allele CA599311.